The following is an entry in ClinVar:

NM_153816.6(SNX14):c.1995+5A>T

Gene: SNX14 (sorting nexin 14; minus strand). Cytogenetic location: 6q14.3.
Variant type: single nucleotide variant.
Coding change: c.1995+5A>T on transcript NM_153816.6 (MANE Select); 5 bases into the intron after coding-DNA position 1995, A replaced by T.
Molecular consequence: intron variant.
Genome position (GRCh38, 1-based): chr6:85,528,257, T>A on the plus strand (A>T on the coding strand, the complement: SNX14 is on the minus strand). VCF-style: chr6-85528257-T-A. GRCh37 (hg19) VCF-style: chr6-86237975-T-A.
Other names: c.1704+5A>T (NM_001350543.2); c.1836+5A>T (NM_001350539.2, NM_020468.6); c.1707+5A>T (NM_001350542.2); c.1551+5A>T (NM_001350546.2, NM_001350545.2); c.945+5A>T (NM_001350547.2); c.1695+5A>T (NM_001350544.2); c.813+5A>T (NM_001350553.2); c.840+5A>T (NM_001350549.2, NM_001350548.2, NM_001350551.2 and 2 more transcripts); and 9 more.
Identifiers: ClinVar variation 727831 (VCV000727831.10), dbSNP rs150615612, ClinGen allele CA3911988.

ClinVar aggregate classification (germline): Likely benign. Review status: criteria provided, multiple submitters, no conflicts (2 of 4 stars). 3 submissions from 3 submitters: Likely benign (3). Last evaluated 2025-09-10.

Allele frequency attached by ClinVar (database versions not stated): gnomAD exomes 0.00010 and 0.00029; ExAC 0.00036; 1000 Genomes Project 30x 0.00062; 1000 Genomes Project 0.00080; gnomAD 0.00092 and 0.00102; TOPMed 0.00119; ESP Exome Variant Server 0.00131.
gnomAD v4.1: 291 of 1,581,640 alleles (0.018%); highest among the groups gnomAD compares: African/African-American, 0.35%; 1 homozygote.

Submissions (3):

Labcorp Genetics (formerly Invitae), Labcorp
Classification: Likely benign. Last evaluated: 2025-09-10. Review status: criteria provided, single submitter. Criteria: Invitae Variant Classification Sherloc (09022015). Collection method: clinical testing. Allele origin: germline.

Mayo Clinic Laboratories, Mayo Clinic
Classification: Likely benign. Last evaluated: 2025-04-15. Review status: criteria provided, single submitter. Criteria: ACMG Guidelines, 2015. Collection method: clinical testing. Allele origin: germline. Observed: 1 variant allele.
Comment: BS1, BP4

Blueprint Genetics
Classification: Likely benign. Last evaluated: 2021-11-19. Review status: criteria provided, single submitter. Criteria: ACMG Guidelines, 2015. Collection method: clinical testing. Allele origin: germline.